The following is an entry in ClinVar:

ClinVar aggregate classification (germline): Benign/Likely benign. Review status: criteria provided, multiple submitters, no conflicts (2 of 4 stars). 3 submissions from 3 submitters: Benign (1); Likely benign (2). Last evaluated 2025-01-06.

Allele frequency attached by ClinVar (database versions not stated): gnomAD exomes 0.00006 and 0.00016; ExAC 0.00021; ESP Exome Variant Server 0.00054; gnomAD 0.00058 and 0.00060; TOPMed 0.00060; 1000 Genomes Project 30x 0.00156; 1000 Genomes Project 0.00160.
gnomAD v4.1: 176 of 1,614,142 alleles (0.011%); highest among the groups gnomAD compares: African/African-American, 0.21%; no homozygotes.

Submissions (3):

Labcorp Genetics (formerly Invitae), Labcorp
Classification: Benign. Last evaluated: 2025-01-06. Review status: criteria provided, single submitter. Criteria: Invitae Variant Classification Sherloc (09022015). Collection method: clinical testing. Allele origin: germline.

Women's Health and Genetics/Laboratory Corporation of America, LabCorp
Classification: Likely benign. Last evaluated: 2024-09-16. Review status: criteria provided, single submitter. Criteria: LabCorp Variant Classification Summary - May 2015. Collection method: clinical testing. Allele origin: germline.

CeGaT Center for Human Genetics Tuebingen
Classification: Likely benign. Last evaluated: 2023-12-01. Review status: criteria provided, single submitter. Criteria: CeGaT Center For Human Genetics Tuebingen Variant Classification Criteria Version 2. Collection method: clinical testing. Allele origin: germline. Affected: yes. Observed: 1 variant allele.
Comment: LAMB1: BP4, BP7

NM_002291.3(LAMB1):c.1593C>T (p.Cys531=)

Gene: LAMB1 (laminin subunit beta 1; minus strand). Cytogenetic location: 7q31.1.
Variant type: single nucleotide variant.
Coding change: c.1593C>T on transcript NM_002291.3 (MANE Select); coding-DNA position 1593, C replaced by T.
Protein change: p.Cys531=; no amino-acid change (cysteine 531 retained).
Molecular consequence: synonymous variant.
Genome position (GRCh38, 1-based): chr7:107,964,657, G>A on the plus strand (C>T on the coding strand, the complement: LAMB1 is on the minus strand). VCF-style: chr7-107964657-G-A. GRCh37 (hg19) VCF-style: chr7-107605102-G-A.
Identifiers: ClinVar variation 727836 (VCV000727836.33), dbSNP rs150514010, ClinGen allele CA4435961.
Genomic context (GRCh38, chr7:107,964,657, plus strand): 5'-GGTGGCAAAGTAGTAACCAGGTTCCACTTCGTTGCACTGACGTCCAATCATGTGAGGCCG[G>A]CATGAGCACTGGCCTGACTCCGCAAAGCAACTGGAAGGGAGGAGGAGCCACATCAGCTGA-3'
Protein context (NP_002282.2, residues 521-541): SCFAESGQCS[Cys531=]RPHMIGRQCN